The following is an entry in ClinVar:

NM_013275.6(ANKRD11):c.721G>A (p.Ala241Thr)

Gene: ANKRD11 (ankyrin repeat domain containing 11; minus strand). Cytogenetic location: 16q24.3.
Variant type: single nucleotide variant.
Coding change: c.721G>A on transcript NM_013275.6 (MANE Select); coding-DNA position 721, G replaced by A.
Protein change: p.Ala241Thr; replaces alanine 241 with threonine.
Molecular consequence: missense variant. On other transcripts: non-coding transcript variant (1).
Genome position (GRCh38, 1-based): chr16:89,288,551, C>T on the plus strand (G>A on the coding strand, the complement: ANKRD11 is on the minus strand). VCF-style: chr16-89288551-C-T. GRCh37 (hg19) VCF-style: chr16-89354959-C-T.
Other names: c.721G>A, p.Ala241Thr (NM_001256182.2, NM_001256183.2); short protein forms A241T.
Identifiers: ClinVar variation 3339789 (VCV003339789.1).

ClinVar aggregate classification (germline): Uncertain significance (1 of 4 stars; one submission).

Submission:

Women's Health and Genetics/Laboratory Corporation of America, LabCorp
Classification: Uncertain significance. Last evaluated: 2024-06-25. Review status: criteria provided, single submitter. Criteria: LabCorp Variant Classification Summary - May 2015. Collection method: clinical testing. Allele origin: germline.
Comment: Variant summary: ANKRD11 c.721G>A (p.Ala241Thr) results in a non-conservative amino acid change located in the Ankyrin repeat (IPR002110) of the encoded protein sequence. Five of five in-silico tools predict a damaging effect of the variant on protein function. The variant was absent in 251224 control chromosomes (gnomAD). The available data on variant occurrences in the general population are insufficient to allow any conclusion about variant significance. To our knowledge, no occurrence of c.721G>A in individuals affected with KBG Syndrome and no experimental evidence demonstrating its impact on protein function have been reported. No submitters have cited clinical-significance assessments for this variant to ClinVar. Based on the evidence outlined above, the variant was classified as uncertain significance.